The following is an entry in ClinVar:

ClinVar aggregate classification (germline): Uncertain significance (1 of 4 stars; one submission).

gnomAD v4.1: 2 of 1,614,160 alleles (0.00012%); highest among the groups gnomAD compares: South Asian, 0.0022%; no homozygotes.

Submission:

Women's Health and Genetics/Laboratory Corporation of America, LabCorp
Classification: Uncertain significance. Last evaluated: 2025-09-02. Review status: criteria provided, single submitter. Criteria: LabCorp Variant Classification Summary - May 2015. Collection method: clinical testing. Allele origin: germline.
Comment: Variant summary: NSD1 c.1339A>G (p.Ile447Val) results in a conservative amino acid change in the encoded protein sequence. Algorithms developed to predict the effect of missense changes on protein structure and function all suggest that this variant is likely to be tolerated. The variant allele was found at a frequency of 4e-06 in 251440 control chromosomes. The available data on variant occurrences in the general population are insufficient to allow any conclusion about variant significance. To our knowledge, no occurrence of c.1339A>G in individuals affected with NSD1-related conditions and no experimental evidence demonstrating its impact on protein function have been reported. No submitters have cited clinical-significance assessments for this variant to ClinVar. Based on the evidence outlined above, the variant was classified as uncertain significance.

NM_022455.5(NSD1):c.1339A>G (p.Ile447Val)

Gene: NSD1 (nuclear receptor binding SET domain protein 1; plus strand). Cytogenetic location: 5q35.3.
Variant type: single nucleotide variant.
Coding change: c.1339A>G on transcript NM_022455.5 (MANE Select); coding-DNA position 1339, A replaced by G.
Protein change: p.Ile447Val; replaces isoleucine 447 with valine.
Molecular consequence: missense variant.
Genome position (GRCh38, 1-based): chr5:177,209,738, A>G. VCF-style: chr5-177209738-A-G. GRCh37 (hg19) VCF-style: chr5-176636739-A-G.
Other names: c.466A>G, p.Ile156Val (NM_001365684.2, NM_001409306.1, NM_001409307.1 and 3 more transcripts); c.1339A>G, p.Ile447Val (NM_001409301.1, NM_001409302.1, NM_001409303.1); c.919A>G, p.Ile307Val (NM_001409304.1); c.586A>G, p.Ile196Val (NM_001409305.1); short protein forms I156V, I196V, I307V, I447V.
Identifiers: ClinVar variation 4535882 (VCV004535882.1).